The following is an entry in ClinVar:

ClinVar aggregate classification (germline): Benign. Review status: criteria provided, multiple submitters, no conflicts (2 of 4 stars). 2 submissions from 2 submitters: Benign (2). Last evaluated 2018-06-19.

Allele frequency attached by ClinVar (database versions not stated): gnomAD exomes 0.08142; gnomAD 0.12572 and 0.12744; TOPMed 0.13415; 1000 Genomes Project 0.13718; 1000 Genomes Project 30x 0.13773.
gnomAD v4.1: 136,316 of 1,583,074 alleles (8.6%); highest among the groups gnomAD compares: African/African-American, 25%; 7,556 homozygotes.

Submissions (2):

GeneDx
Classification: Benign. Last evaluated: 2018-06-19. Review status: criteria provided, single submitter. Criteria: GeneDx Variant Classification (06012015). Collection method: clinical testing. Allele origin: germline. Affected: yes.
Comment: This variant is considered likely benign or benign based on one or more of the following criteria: it is a conservative change, it occurs at a poorly conserved position in the protein, it is predicted to be benign by multiple in silico algorithms, and/or has population frequency not consistent with disease.

Breakthrough Genomics
Classification: Benign. Review status: criteria provided, single submitter. Criteria: ACMG Guidelines, 2015. Collection method: not provided. Allele origin: germline. Inheritance: Autosomal recessive inheritance. Affected: yes.

NM_177550.5(SLC13A5):c.1437+84G>A

Gene: SLC13A5 (solute carrier family 13 member 5; minus strand). Cytogenetic location: 17p13.1.
Variant type: single nucleotide variant.
Coding change: c.1437+84G>A on transcript NM_177550.5 (MANE Select); 84 bases into the intron after coding-DNA position 1437, G replaced by A.
Molecular consequence: intron variant.
Genome position (GRCh38, 1-based): chr17:6,690,695, C>T on the plus strand (G>A on the coding strand, the complement: SLC13A5 is on the minus strand). VCF-style: chr17-6690695-C-T. GRCh37 (hg19) VCF-style: chr17-6594014-C-T.
Other names: c.1308+84G>A (NM_001284510.2); c.1386+84G>A (NM_001284509.2); c.1437+84G>A (NM_001143838.3).
Identifiers: ClinVar variation 670103 (VCV000670103.2), dbSNP rs218697, ClinGen allele CA287383617.
Genomic context (GRCh38, chr17:6,690,695, plus strand): 5'-CACAAATCCACGTCACAGTCAGACCTGGGTCTCCAAAGCCTGGTCTGAGTCTGGCCTGGA[C>T]ATTGCTGCCTCGTCAGGGACCCACAATATGGCCATGTGTTCCTGTGAAATGGAAGGGCTC-3'